The following is an entry in ClinVar:

NM_000135.4(FANCA):c.2204G>A (p.Ser735Asn)

Gene: FANCA (FA complementation group A; minus strand). Cytogenetic location: 16q24.3.
Variant type: single nucleotide variant.
Coding change: c.2204G>A on transcript NM_000135.4 (MANE Select); coding-DNA position 2204, G replaced by A.
Protein change: p.Ser735Asn; replaces serine 735 with asparagine.
Molecular consequence: missense variant.
Genome position (GRCh38, 1-based): chr16:89,770,582, C>T on the plus strand (G>A on the coding strand, the complement: FANCA is on the minus strand). VCF-style: chr16-89770582-C-T. GRCh37 (hg19) VCF-style: chr16-89836990-C-T.
Other names: c.2204G>A, p.Ser735Asn (NM_001286167.3); c.2204G>A (NM_000135.3); short protein forms S735N.
Identifiers: ClinVar variation 1900273 (VCV001900273.6), dbSNP rs777472045, ClinGen allele CA397447094.

ClinVar aggregate classification (germline): Uncertain significance. Review status: criteria provided, single submitter (1 of 4 stars). 2 submissions from 2 submitters: Uncertain significance (1). 1 of the submissions does not count toward it. Last evaluated 2022-04-16.

Conditions:
Fanconi anemia (FA). Also called: Fanconi's anemia. Identifiers: Orphanet 84, MedGen C0015625, MeSH D005199, MONDO:0019391.

Submissions (2):

Labcorp Genetics (formerly Invitae), Labcorp
Classification: Uncertain significance for Fanconi anemia. Last evaluated: 2022-04-16. Review status: criteria provided, single submitter. Criteria: Invitae Variant Classification Sherloc (09022015). Collection method: clinical testing. Allele origin: germline.
Comment: This variant has not been reported in the literature in individuals affected with FANCA-related conditions. This variant is not present in population databases (gnomAD no frequency). This sequence change replaces serine, which is neutral and polar, with asparagine, which is neutral and polar, at codon 735 of the FANCA protein (p.Ser735Asn). In summary, the available evidence is currently insufficient to determine the role of this variant in disease. Therefore, it has been classified as a Variant of Uncertain Significance. Advanced modeling of protein sequence and biophysical properties (such as structural, functional, and spatial information, amino acid conservation, physicochemical variation, residue mobility, and thermodynamic stability) performed at Invitae indicates that this missense variant is not expected to disrupt FANCA protein function.

Natera, Inc.
Classification: Uncertain significance for Fanconi anemia. Last evaluated: 2025-04-10. Review status: no assertion criteria provided. Collection method: clinical testing. Allele origin: germline. Not counted in ClinVar's aggregate classification.